The following is an entry in ClinVar:

NM_000186.4(CFH):c.220C>G (p.Leu74Val)

Gene: CFH (complement factor H; plus strand). Cytogenetic location: 1q31.3.
Variant type: single nucleotide variant.
Coding change: c.220C>G on transcript NM_000186.4 (MANE Select); coding-DNA position 220, C replaced by G.
Protein change: p.Leu74Val; replaces leucine 74 with valine.
Molecular consequence: missense variant.
Genome position (GRCh38, 1-based): chr1:196,673,139, C>G. VCF-style: chr1-196673139-C-G. GRCh37 (hg19) VCF-style: chr1-196642269-C-G.
Other names: c.220C>G, p.Leu74Val (NM_001014975.3); short protein forms L74V.
Identifiers: ClinVar variation 2103792 (VCV002103792.4), dbSNP rs368835171, ClinGen allele CA343996370.

ClinVar aggregate classification (germline): Uncertain significance (1 of 4 stars; one submission).

Submission:

Labcorp Genetics (formerly Invitae), Labcorp
Classification: Uncertain significance. Last evaluated: 2022-08-16. Review status: criteria provided, single submitter. Criteria: Invitae Variant Classification Sherloc (09022015). Collection method: clinical testing. Allele origin: germline.
Comment: In summary, the available evidence is currently insufficient to determine the role of this variant in disease. Therefore, it has been classified as a Variant of Uncertain Significance. Algorithms developed to predict the effect of missense changes on protein structure and function output the following: SIFT: "Deleterious"; PolyPhen-2: "Benign"; Align-GVGD: "Class C0". The valine amino acid residue is found in multiple mammalian species, which suggests that this missense change does not adversely affect protein function. This variant has not been reported in the literature in individuals affected with CFH-related conditions. This variant is not present in population databases (gnomAD no frequency). This sequence change replaces leucine, which is neutral and non-polar, with valine, which is neutral and non-polar, at codon 74 of the CFH protein (p.Leu74Val).